The following is an entry in ClinVar:

NM_001099922.3(ALG13):c.3117A>T (p.Glu1039Asp)

Gene: ALG13 (ALG13 UDP-N-acetylglucosaminyltransferase subunit; plus strand). Cytogenetic location: Xq23.
Variant type: single nucleotide variant.
Coding change: c.3117A>T on transcript NM_001099922.3 (MANE Select); coding-DNA position 3117, A replaced by T.
Protein change: p.Glu1039Asp; replaces glutamic acid 1039 with aspartic acid.
Molecular consequence: missense variant. On other transcripts: non-coding transcript variant (1).
Genome position (GRCh38, 1-based): chrX:111,757,731, A>T. VCF-style: chrX-111757731-A-T. GRCh37 (hg19) VCF-style: chrX-111000959-A-T.
Other names: c.2568A>T, p.Glu856Asp (NM_001257230.2, NM_001257234.2, NM_001257237.2); c.2883A>T, p.Glu961Asp (NM_001257231.2); c.2880A>T, p.Glu960Asp (NM_001324292.2); c.2394A>T, p.Glu798Asp (NM_001324293.1); short protein forms E798D, E856D, E1039D, E960D, E961D.
Identifiers: ClinVar variation 1444205 (VCV001444205.11), dbSNP rs2148514625, ClinGen allele CA414292808.

ClinVar aggregate classification (germline): Uncertain significance (1 of 4 stars; one submission).

Conditions:
Developmental and epileptic encephalopathy, 36 (DEE36). Also called: ALG13-CDG; Epileptic encephalopathy, early infantile, 36; Congenital disorder of glycosylation, type Is. Identifiers: Orphanet 324422, MedGen C4317295, MONDO:0010472, OMIM 300884.

gnomAD v4.1: 23 of 1,210,006 alleles (0.0019%); highest among the groups gnomAD compares: Non-Finnish European, 0.0025%; no homozygotes.

Submission:

Labcorp Genetics (formerly Invitae), Labcorp
Classification: Uncertain significance for Developmental and epileptic encephalopathy, 36. Last evaluated: 2022-03-15. Review status: criteria provided, single submitter. Criteria: Invitae Variant Classification Sherloc (09022015). Collection method: clinical testing. Allele origin: germline.
Comment: This sequence change replaces glutamic acid, which is acidic and polar, with aspartic acid, which is acidic and polar, at codon 1039 of the ALG13 protein (p.Glu1039Asp). In summary, the available evidence is currently insufficient to determine the role of this variant in disease. Therefore, it has been classified as a Variant of Uncertain Significance. Algorithms developed to predict the effect of missense changes on protein structure and function (SIFT, PolyPhen-2, Align-GVGD) all suggest that this variant is likely to be tolerated. This variant has not been reported in the literature in individuals affected with ALG13-related conditions. This variant is not present in population databases (gnomAD no frequency).